The following is an entry in ClinVar:

ClinVar aggregate classification (germline): Uncertain significance (1 of 4 stars; one submission).

Submission:

Labcorp Genetics (formerly Invitae), Labcorp
Classification: Uncertain significance. Last evaluated: 2019-12-30. Review status: criteria provided, single submitter. Criteria: Invitae Variant Classification Sherloc (09022015). Collection method: clinical testing. Allele origin: germline.
Comment: In summary, the available evidence is currently insufficient to determine the role of this variant in disease. Therefore, it has been classified as a Variant of Uncertain Significance. Nucleotide substitutions within the consensus splice site are a relatively common cause of aberrant splicing (PMID: 17576681, 9536098). Algorithms developed to predict the effect of sequence changes on RNA splicing suggest that this variant is not likely to affect RNA splicing, but this prediction has not been confirmed by published transcriptional studies. This variant has not been reported in the literature in individuals with COL2A1-related conditions. This variant is not present in population databases (ExAC no frequency). This sequence change falls in intron 12 of the COL2A1 gene. It does not directly change the encoded amino acid sequence of the COL2A1 protein, but it affects a nucleotide within the consensus splice site of the intron.

Literature cited by the submitters: PubMed 17576681; PubMed 9536098.

NM_001844.5(COL2A1):c.816+6C>A

Gene: COL2A1 (collagen type II alpha 1 chain; minus strand). Cytogenetic location: 12q13.11.
Variant type: single nucleotide variant.
Coding change: c.816+6C>A on transcript NM_001844.5 (MANE Select); 6 bases into the intron after coding-DNA position 816, C replaced by A.
Molecular consequence: intron variant.
Genome position (GRCh38, 1-based): chr12:47,994,418, G>T on the plus strand (C>A on the coding strand, the complement: COL2A1 is on the minus strand). VCF-style: chr12-47994418-G-T. GRCh37 (hg19) VCF-style: chr12-48388201-G-T.
Other names: c.609+6C>A (NM_033150.3).
Identifiers: ClinVar variation 841433 (VCV000841433.10), dbSNP rs766892635, ClinGen allele CA916083299.